The following is an entry in ClinVar:

ClinVar aggregate classification (germline): Uncertain significance (1 of 4 stars; one submission).

Allele frequency attached by ClinVar (database versions not stated): gnomAD exomes below 0.00001; TOPMed below 0.00001; ExAC 0.00001.

Submission:

Labcorp Genetics (formerly Invitae), Labcorp
Classification: Uncertain significance. Last evaluated: 2024-02-18. Review status: criteria provided, single submitter. Criteria: Invitae Variant Classification Sherloc (09022015). Collection method: clinical testing. Allele origin: germline.
Comment: This sequence change replaces arginine, which is basic and polar, with glutamine, which is neutral and polar, at codon 14 of the CACNA1D protein (p.Arg14Gln). This variant is present in population databases (rs776581643, gnomAD 0.0009%). This variant has not been reported in the literature in individuals affected with CACNA1D-related conditions. ClinVar contains an entry for this variant (Variation ID: 1493473). An algorithm developed to predict the effect of missense changes on protein structure and function (PolyPhen-2) suggests that this variant is likely to be tolerated. In summary, the available evidence is currently insufficient to determine the role of this variant in disease. Therefore, it has been classified as a Variant of Uncertain Significance.

NM_001128840.3(CACNA1D):c.41G>A (p.Arg14Gln)

Gene: CACNA1D (calcium voltage-gated channel subunit alpha1 D; plus strand). Cytogenetic location: 3p21.1.
Variant type: single nucleotide variant.
Coding change: c.41G>A on transcript NM_001128840.3 (MANE Select); coding-DNA position 41, G replaced by A.
Protein change: p.Arg14Gln; replaces arginine 14 with glutamine.
Molecular consequence: missense variant.
Genome position (GRCh38, 1-based): chr3:53,495,207, G>A. VCF-style: chr3-53495207-G-A. GRCh37 (hg19) VCF-style: chr3-53529234-G-A.
Other names: c.41G>A, p.Arg14Gln (NM_000720.4, NM_001128839.3); short protein forms R14Q.
Identifiers: ClinVar variation 1493473 (VCV001493473.6), dbSNP rs776581643, ClinGen allele CA2453592.